The following is an entry in ClinVar:

ClinVar aggregate classification (germline): Pathogenic/Likely pathogenic. Review status: criteria provided, multiple submitters, no conflicts (2 of 4 stars). 9 submissions from 9 submitters: Pathogenic (1); Likely pathogenic (6). 2 of the submissions do not count toward it. Last evaluated 2026-03-05.

Conditions:
von Willebrand disorder (VWD). Also called: von Willebrand's disease; von Willebrand Diseases; Von Willebrand disease (hereditary or acquired). Identifiers: MedGen C0042974, MeSH D014842, MONDO:0024574.
von Willebrand disease type 1 (VWD1). Also called: VON WILLEBRAND DISEASE, TYPE I; VWD, TYPE 1. Identifiers: Orphanet 166078, Orphanet 903, MedGen C1264039, MONDO:0008668, OMIM 193400. Inheritance: autosomal recessive or autosomal dominant.
von Willebrand disease type 2 (VWD2). Also called: VON WILLEBRAND DISEASE, TYPE II; VON WILLEBRAND DISEASE, TYPE 2A/IIE; VON WILLEBRAND DISEASE, TYPE 2CB; VWD, TYPE 2. Identifiers: Orphanet 166081, Orphanet 903, MedGen C1264040, MONDO:0013304, OMIM 613554.
Hereditary von Willebrand disease. Identifiers: Orphanet 903, MedGen C5703318, MONDO:0019565. Inheritance: Autosomal recessive or Autosomal dominant.

Allele frequency attached by ClinVar (database versions not stated): gnomAD exomes 0.00001; TOPMed 0.00001; gnomAD 0.00001.
gnomAD v4.1: 6 of 1,613,762 alleles (0.00037%); highest among the groups gnomAD compares: Admixed American, 0.01%; no homozygotes.

Submissions (9):

Women's Health and Genetics/Laboratory Corporation of America, LabCorp
Classification: Likely pathogenic for von Willebrand disorder. Last evaluated: 2026-03-05. Review status: criteria provided, single submitter. Criteria: LabCorp Variant Classification Summary - May 2015. Collection method: clinical testing. Allele origin: germline.
Comment: Variant summary: VWF c.4309G>A (p.Ala1437Thr) results in a non-conservative amino acid change in the encoded protein sequence. Algorithms developed to predict the effect of missense changes on protein structure and function all suggest that this variant is likely to be disruptive. The variant allele was found at a frequency of 8e-06 in 251128 control chromosomes. c.4309G>A has been observed in individuals affected with Von Willebrand Disease type 2M and was found to segregate with disease in at least one family (e.g. Casana_2001, Corrales_2012, Seidizadeh_2022). These data indicate that the variant is likely to be associated with disease. At least one publication reports experimental evidence evaluating an impact on protein function. The most pronounced variant effect resulted in approximately 40% of platelet adhesion compared to wild type VWF (Tischer_2014). The following publications have been ascertained in the context of this evaluation (PMID: 11325649, 22315491, 35452508, 25185554). ClinVar contains an entry for this variant (Variation ID: 100347). Based on the evidence outlined above, the variant was classified as likely pathogenic.

Mayo Clinic Laboratories, Mayo Clinic
Classification: Pathogenic. Last evaluated: 2025-07-02. Review status: criteria provided, single submitter. Criteria: ACMG Guidelines, 2015. Collection method: clinical testing. Allele origin: germline. Observed: 2 variant alleles.
Comment: PP1_strong, PP3_moderate, PM2_supporting, PS3, PS4_moderate

Quest Diagnostics Nichols Institute San Juan Capistrano
Classification: Likely pathogenic. Last evaluated: 2025-06-24. Review status: criteria provided, single submitter. Criteria: Quest Diagnostics criteria. Collection method: clinical testing. Allele origin: unknown.
Comment: The VWF c.4309G>A (p.Ala1437Thr) variant has been reported in the published literature in individuals with Type 2 von Willebrand disease (VWD) (PMIDs: 11325649 (2001), 19506361 (2009), 22315491 (2012), 25185554 (2014), 31939074 (2023), and 38315875 (2024)). Experimental studies report conflicting evidence that this variant impacts proper gene function (PMIDs: 27889474 (2016), 25185554 (2014)). In one family, the variant shows strong segregation with disease in multiple family members affected by VWD (PMID: 11325649 (2001)). The frequency of this variant in the general population (Genome Aggregation Database) is consistent with pathogenicity. Analysis of this variant using bioinformatics tools for the prediction of the effect of amino acid changes on protein structure and function yielded predictions that this variant is damaging. Based on the available information, this variant is classified as likely pathogenic.

GeneDx
Classification: Likely pathogenic. Last evaluated: 2025-06-03. Review status: criteria provided, single submitter. Criteria: GeneDx Variant Classification Process June 2021. Collection method: clinical testing. Allele origin: germline. Affected: yes.
Comment: Published functional studies demonstrate a damaging effect (PMID: 25185554); Not observed at significant frequency in large population cohorts (gnomAD); In silico analysis suggests that this missense variant does not alter protein structure/function; This variant is associated with the following publications: (PMID: 31589614, 25185554, 37872709, 19506361, 11325649)

North West Genomic Laboratory Hub, Manchester University NHS Foundation Trust
Classification: Likely pathogenic for von Willebrand disease. Last evaluated: 2025-01-24. Review status: criteria provided, single submitter. Criteria: ACGS Best Practice Guidelines for Variant Classification in Rare Disease 2024. Collection method: clinical testing. Allele origin: germline. Affected: yes.
Comment: PP3_Supp PS4_Mod PP1_Supp PM2_Mod PP4_Mod

Institute of Human Genetics, University of Leipzig Medical Center
Classification: Likely pathogenic for von Willebrand disease type 1. Last evaluated: 2024-06-18. Review status: criteria provided, single submitter. Criteria: ACMG Guidelines, 2015. Collection method: clinical testing. Allele origin: unknown. Inheritance: Autosomal dominant inheritance. Affected: yes.
Comment: Criteria applied: PS4_MOD,PS3_SUP,PM1_SUP,PP1,PP3

ISTH-SSC Genomics in Thrombosis and Hemostasis, KU Leuven, Center for Molecular and Vascular Biology
Classification: Likely pathogenic for von Willebrand disease type 2. Review status: criteria provided, single submitter. Criteria: ACMG Guidelines, 2015. Collection method: clinical testing. Allele origin: germline. Affected: yes. Observed: 1 heterozygote.
Comment: Submitted to the GoldVariant database by Dr Marie-Christine Morel-Kopp; Northern Blood Research Centre, Sydney, Australia

Angelo Bianchi Bonomi Hemophilia and Thrombosis Center, Fondazione IRCCS Ca Granda Ospedale Maggiore Policlinico
Classification: Uncertain significance for von Willebrand disease type 2. Last evaluated: 2022-04-26. Review status: no assertion criteria provided. Collection method: clinical testing. Allele origin: germline. Affected: yes. Not counted in ClinVar's aggregate classification.

Academic Unit of Haematology, University of Sheffield
No classification provided. Review status: no classification provided. Collection method: not provided. Allele origin: not provided. Not counted in ClinVar's aggregate classification.

Literature cited by the submitters: PubMed 22315491 (cited by 3 submitters); PubMed 11325649 (cited by 3 submitters); PubMed 25185554 (cited by 3 submitters); PubMed 35452508 (cited by Women's Health and Genetics/Laboratory Corporation of America, LabCorp); PubMed 31939074 (cited by Mayo Clinic Laboratories, Mayo Clinic and Quest Diagnostics Nichols Institute San Juan Capistrano); PubMed 38315875 (cited by Quest Diagnostics Nichols Institute San Juan Capistrano); PubMed 31589614 (cited by Quest Diagnostics Nichols Institute San Juan Capistrano); PubMed 37845247 (cited by Quest Diagnostics Nichols Institute San Juan Capistrano); PubMed 37872709 (cited by Quest Diagnostics Nichols Institute San Juan Capistrano); PubMed 19506361 (cited by Quest Diagnostics Nichols Institute San Juan Capistrano); PubMed 27889474 (cited by Quest Diagnostics Nichols Institute San Juan Capistrano).

NM_000552.5(VWF):c.4309G>A (p.Ala1437Thr)

Gene: VWF (von Willebrand factor; minus strand). Cytogenetic location: 12p13.31.
Variant type: single nucleotide variant.
Coding change: c.4309G>A on transcript NM_000552.5 (MANE Select); coding-DNA position 4309, G replaced by A.
Protein change: p.Ala1437Thr; replaces alanine 1437 with threonine.
Molecular consequence: missense variant.
Genome position (GRCh38, 1-based): chr12:6,019,109, C>T on the plus strand (G>A on the coding strand, the complement: VWF is on the minus strand). VCF-style: chr12-6019109-C-T. GRCh37 (hg19) VCF-style: chr12-6128275-C-T.
Other names: c.4309G>A (NM_000552.4); short protein forms A1437T.
Identifiers: ClinVar variation 100347 (VCV000100347.14), dbSNP rs61750084, ClinGen allele CA228575.